The following is an entry in ClinVar:

NM_001276700.2(NLRP6):c.582G>A (p.Arg194=)

Gene: NLRP6 (NLR family pyrin domain containing 6; plus strand). Cytogenetic location: 11p15.5.
Variant type: single nucleotide variant.
Coding change: c.582G>A on transcript NM_001276700.2 (MANE Select); coding-DNA position 582, G replaced by A.
Protein change: p.Arg194=; no amino-acid change (arginine 194 retained).
Molecular consequence: synonymous variant.
Genome position (GRCh38, 1-based): chr11:280,316, G>A. VCF-style: chr11-280316-G-A. GRCh37 (hg19) VCF-style: chr11-280316-G-A.
Other names: c.582G>A, p.Arg194= (NM_138329.2).
Identifiers: ClinVar variation 103255 (VCV000103255.2), dbSNP rs199475801, ClinGen allele CA230321.

ClinVar aggregate classification (germline): not provided (0 of 4 stars; one submission).

Allele frequency attached by ClinVar (database versions not stated): gnomAD exomes 0.00006 and 0.00013; ESP Exome Variant Server 0.00076; gnomAD 0.00078 and 0.00082; TOPMed 0.00079; ExAC 0.00080.
gnomAD v4.1: 209 of 1,499,092 alleles (0.014%); highest among the groups gnomAD compares: African/African-American, 0.25%; no homozygotes.

Submission:

Human Evolutionary Genetics, Institut Pasteur
No classification provided. Review status: no classification provided. Collection method: not provided. Allele origin: germline.
ClinVar note: Converted during submission from untested to not provided.